The following is an entry in ClinVar:

NM_032737.4(LMNB2):c.14G>T (p.Ser5Ile)

Genes: LMNB2 (lamin B2; minus strand), LOC130063066 (ATAC-STARR-seq lymphoblastoid silent region 9792; plus strand). Cytogenetic location: 19p13.3.
Variant type: single nucleotide variant.
Coding change: c.14G>T on transcript NM_032737.4 (MANE Select); coding-DNA position 14, G replaced by T.
Protein change: p.Ser5Ile; replaces serine 5 with isoleucine.
Molecular consequence: missense variant.
Genome position (GRCh38, 1-based): chr19:2,456,920, C>A on the plus strand (G>T on the coding strand, the complement: LMNB2 is on the minus strand). VCF-style: chr19-2456920-C-A. GRCh37 (hg19) VCF-style: chr19-2456918-C-A.
Other names: short protein forms S5I.
Identifiers: ClinVar variation 1416533 (VCV001416533.22), dbSNP rs933753487, ClinGen allele CA304250280.

ClinVar aggregate classification (germline): Uncertain significance. Review status: criteria provided, multiple submitters, no conflicts (2 of 4 stars). 2 submissions from 2 submitters: Uncertain significance (2). Last evaluated 2026-01-01.

Conditions:
Lipodystrophy, partial, acquired, susceptibility to (APLD). Also called: APLD, SUSCEPTIBILITY TO. Identifiers: MedGen C3887501, MONDO:0100476, OMIM 608709.
Progressive myoclonic epilepsy type 9. Identifiers: Orphanet 457265, MedGen C4225289, MONDO:0014685, OMIM 616540.

gnomAD v4.1: 34 of 994,628 alleles (0.0034%); highest among the groups gnomAD compares: Non-Finnish European, 0.0037%; no homozygotes.

Submissions (2):

CeGaT Center for Human Genetics Tuebingen
Classification: Uncertain significance. Last evaluated: 2026-01-01. Review status: criteria provided, single submitter. Criteria: CeGaT Center For Human Genetics Tuebingen Variant Classification Criteria Version 2. Collection method: clinical testing. Allele origin: germline. Affected: yes. Observed: 2 variant alleles.
Comment: LMNB2: PP2, PP3

Labcorp Genetics (formerly Invitae), Labcorp
Classification: Uncertain significance for Progressive myoclonic epilepsy type 9; Lipodystrophy, partial, acquired, susceptibility to. Last evaluated: 2025-01-06. Review status: criteria provided, single submitter. Criteria: Invitae Variant Classification Sherloc (09022015). Collection method: clinical testing. Allele origin: germline.
Comment: This sequence change replaces serine, which is neutral and polar, with isoleucine, which is neutral and non-polar, at codon 5 of the LMNB2 protein (p.Ser5Ile). The frequency data for this variant in the population databases is considered unreliable, as metrics indicate insufficient coverage at this position in the gnomAD database. This variant has not been reported in the literature in individuals affected with LMNB2-related conditions. ClinVar contains an entry for this variant (Variation ID: 1416533). An algorithm developed to predict the effect of missense changes on protein structure and function outputs the following: PolyPhen-2: "Not Available". The isoleucine amino acid residue is found in multiple mammalian species, which suggests that this missense change does not adversely affect protein function. In summary, the available evidence is currently insufficient to determine the role of this variant in disease. Therefore, it has been classified as a Variant of Uncertain Significance.